The following is an entry in ClinVar:

NM_006015.6(ARID1A):c.5683G>C (p.Glu1895Gln)

Gene: ARID1A (AT-rich interaction domain 1A; plus strand). Cytogenetic location: 1p36.11.
Variant type: single nucleotide variant.
Coding change: c.5683G>C on transcript NM_006015.6 (MANE Select); coding-DNA position 5683, G replaced by C.
Protein change: p.Glu1895Gln; replaces glutamic acid 1895 with glutamine.
Molecular consequence: missense variant.
Genome position (GRCh38, 1-based): chr1:26,779,581, G>C. VCF-style: chr1-26779581-G-C. GRCh37 (hg19) VCF-style: chr1-27106072-G-C.
Other names: c.5032G>C, p.Glu1678Gln (NM_139135.4); short protein forms E1895Q, E1678Q.
Identifiers: ClinVar variation 2003198 (VCV002003198.5), dbSNP rs2124141752, ClinGen allele CA339186448.

ClinVar aggregate classification (germline): Uncertain significance. Review status: criteria provided, multiple submitters, no conflicts (2 of 4 stars). 2 submissions from 2 submitters: Uncertain significance (2). Last evaluated 2026-01-05.

Conditions:
Inborn genetic diseases. Identifiers: MedGen C0950123, MeSH D030342.

Allele frequency attached by ClinVar (database versions not stated): gnomAD exomes below 0.00001.

Submissions (2):

Labcorp Genetics (formerly Invitae), Labcorp
Classification: Uncertain significance. Last evaluated: 2026-01-05. Review status: criteria provided, single submitter. Criteria: Invitae Variant Classification Sherloc (09022015). Collection method: clinical testing. Allele origin: germline.
Comment: This sequence change replaces glutamic acid, which is acidic and polar, with glutamine, which is neutral and polar, at codon 1895 of the ARID1A protein (p.Glu1895Gln). This variant is not present in population databases (gnomAD no frequency). This variant has not been reported in the literature in individuals affected with ARID1A-related conditions. ClinVar contains an entry for this variant (Variation ID: 2003198). Invitae Evidence Modeling of protein sequence and biophysical properties (such as structural, functional, and spatial information, amino acid conservation, physicochemical variation, residue mobility, and thermodynamic stability) indicates that this missense variant is not expected to disrupt ARID1A protein function with a negative predictive value of 95%. In summary, the available evidence is currently insufficient to determine the role of this variant in disease. Therefore, it has been classified as a Variant of Uncertain Significance.

Ambry Genetics
Classification: Uncertain significance for Inborn genetic diseases. Last evaluated: 2025-03-22. Review status: criteria provided, single submitter. Criteria: Ambry Variant Classification Scheme 2023. Collection method: clinical testing. Allele origin: germline.